The following is an entry in ClinVar:

ClinVar aggregate classification (germline): Uncertain significance. Review status: criteria provided, multiple submitters, no conflicts (2 of 4 stars). 2 submissions from 2 submitters: Uncertain significance (2). Last evaluated 2024-03-07.

Conditions:
Neuroblastoma, susceptibility to, 3. Also called: ALK-Related Neuroblastic Tumor Susceptibility. Identifiers: Orphanet 635, MedGen C2751681, MONDO:0013083, OMIM 613014.
Hereditary cancer-predisposing syndrome. Also called: Tumor predisposition; Hereditary neoplastic syndrome; Neoplastic Syndromes, Hereditary; Hereditary Cancer Syndrome. Identifiers: Orphanet 140162, MedGen C0027672, MeSH D009386, MONDO:0015356.

Submissions (2):

Ambry Genetics
Classification: Uncertain significance for Hereditary cancer-predisposing syndrome. Last evaluated: 2024-03-07. Review status: criteria provided, single submitter. Criteria: Ambry Variant Classification Scheme 2023. Collection method: clinical testing. Allele origin: germline.
Comment: The p.V1265A variant (also known as c.3794T>C), located in coding exon 25 of the ALK gene, results from a T to C substitution at nucleotide position 3794. The valine at codon 1265 is replaced by alanine, an amino acid with similar properties. This amino acid position is conserved. In addition, the in silico prediction for this alteration is inconclusive. Since supporting evidence is limited at this time, the clinical significance of this alteration remains unclear.

Labcorp Genetics (formerly Invitae), Labcorp
Classification: Uncertain significance for Neuroblastoma, susceptibility to, 3. Last evaluated: 2021-08-09. Review status: criteria provided, single submitter. Criteria: Invitae Variant Classification Sherloc (09022015). Collection method: clinical testing. Allele origin: germline.
Comment: This sequence change replaces valine with alanine at codon 1265 of the ALK protein (p.Val1265Ala). The valine residue is highly conserved and there is a small physicochemical difference between valine and alanine. This variant is not present in population databases (ExAC no frequency). This variant has not been reported in the literature in individuals affected with ALK-related conditions. Algorithms developed to predict the effect of missense changes on protein structure and function (SIFT, PolyPhen-2, Align-GVGD) all suggest that this variant is likely to be disruptive. In summary, the available evidence is currently insufficient to determine the role of this variant in disease. Therefore, it has been classified as a Variant of Uncertain Significance.

NM_004304.5(ALK):c.3794T>C (p.Val1265Ala)

Gene: ALK (ALK receptor tyrosine kinase; minus strand). Cytogenetic location: 2p23.2.
Variant type: single nucleotide variant.
Coding change: c.3794T>C on transcript NM_004304.5 (MANE Select); coding-DNA position 3794, T replaced by C.
Protein change: p.Val1265Ala; replaces valine 1265 with alanine.
Molecular consequence: missense variant.
Genome position (GRCh38, 1-based): chr2:29,209,828, A>G on the plus strand (T>C on the coding strand, the complement: ALK is on the minus strand). VCF-style: chr2-29209828-A-G. GRCh37 (hg19) VCF-style: chr2-29432694-A-G.
Other names: c.590T>C, p.Val197Ala (NM_001353765.2); c.3794T>C (NM_004304.4); short protein forms V1265A, V197A.
Identifiers: ClinVar variation 1501607 (VCV001501607.7), dbSNP rs1669415878, ClinGen allele CA346469679.